The following is an entry in ClinVar:

NM_001369369.1(FOXN1):c.1466A>G (p.Gln489Arg)

Gene: FOXN1 (forkhead box N1; plus strand). Cytogenetic location: 17q11.2.
Variant type: single nucleotide variant.
Coding change: c.1466A>G on transcript NM_001369369.1 (MANE Select); coding-DNA position 1466, A replaced by G.
Protein change: p.Gln489Arg; replaces glutamine 489 with arginine.
Molecular consequence: missense variant.
Genome position (GRCh38, 1-based): chr17:28,535,037, A>G. VCF-style: chr17-28535037-A-G. GRCh37 (hg19) VCF-style: chr17-26862055-A-G.
Other names: c.1466A>G, p.Gln489Arg (NM_003593.3); short protein forms Q489R.
Identifiers: ClinVar variation 1006400 (VCV001006400.5), dbSNP rs2070024644, ClinGen allele CA398326504.

ClinVar aggregate classification (germline): Uncertain significance (1 of 4 stars; one submission).

Conditions:
T-cell immunodeficiency, congenital alopecia, and nail dystrophy. Also called: Congenital alopecia and nail dystrophy associated with severe functional T-cell immunodeficiency; Pignata Guarino syndrome. Identifiers: Orphanet 169095, MedGen C1866426, MONDO:0011132, OMIM 601705.

Submission:

Labcorp Genetics (formerly Invitae), Labcorp
Classification: Uncertain significance for T-cell immunodeficiency, congenital alopecia, and nail dystrophy. Last evaluated: 2020-03-18. Review status: criteria provided, single submitter. Criteria: Invitae Variant Classification Sherloc (09022015). Collection method: clinical testing. Allele origin: germline.
Comment: This sequence change replaces glutamine with arginine at codon 489 of the FOXN1 protein (p.Gln489Arg). The glutamine residue is moderately conserved and there is a small physicochemical difference between glutamine and arginine. In summary, the available evidence is currently insufficient to determine the role of this variant in disease. Therefore, it has been classified as a Variant of Uncertain Significance. Algorithms developed to predict the effect of missense changes on protein structure and function are either unavailable or do not agree on the potential impact of this missense change (SIFT: "Tolerated"; PolyPhen-2: "Possibly Damaging"; Align-GVGD: "Class C0"). This variant has not been reported in the literature in individuals with FOXN1-related conditions. This variant is not present in population databases (ExAC no frequency).